The following is an entry in ClinVar:

NM_001035.3(RYR2):c.11971G>A (p.Val3991Ile)

Gene: RYR2 (ryanodine receptor 2; plus strand). Cytogenetic location: 1q43.
Variant type: single nucleotide variant.
Coding change: c.11971G>A on transcript NM_001035.3 (MANE Select); coding-DNA position 11971, G replaced by A.
Protein change: p.Val3991Ile; replaces valine 3991 with isoleucine.
Molecular consequence: missense variant.
Genome position (GRCh38, 1-based): chr1:237,783,683, G>A. VCF-style: chr1-237783683-G-A. GRCh37 (hg19) VCF-style: chr1-237946983-G-A.
Other names: short protein forms V3991I.
Identifiers: ClinVar variation 2825092 (VCV002825092.3), dbSNP rs2527772190, ClinGen allele CA345411796.
Genomic context (GRCh38, chr1:237,783,683, plus strand): 5'-ATCACTGATTTTGTTAGTTTATTTTAAACAAATGCAACTGCTTTACCACCAGGTAATGTT[G>A]TTAATGGAACGATTGGCAAACAGATGGTGGATATGCTTGTGGAATCTTCCAACAACGTGG-3'
Protein context (NP_001026.2, residues 3981-4001): MLLSMLEGNV[Val3991Ile]NGTIGKQMVD

ClinVar aggregate classification (germline): Uncertain significance (1 of 4 stars; one submission).

Conditions:
Catecholaminergic polymorphic ventricular tachycardia 1. Also called: VENTRICULAR TACHYCARDIA, STRESS-INDUCED POLYMORPHIC 1; VENTRICULAR TACHYCARDIA, CATECHOLAMINERGIC POLYMORPHIC, 1, WITH OR WITHOUT ATRIAL DYSFUNCTION AND/OR DILATED CARDIOMYOPATHY; RYR2-Related Catecholaminergic Polymorphic Ventricular Tachycardia. Identifiers: Orphanet 3286, MedGen C1631597, MONDO:0011484, OMIM 604772.

Allele frequency attached by ClinVar (database versions not stated): gnomAD exomes below 0.00001.
gnomAD v4.1: 1 of 1,600,574 alleles (0.000062%); highest among the groups gnomAD compares: Non-Finnish European, 0.000085%; no homozygotes.

Submission:

Labcorp Genetics (formerly Invitae), Labcorp
Classification: Uncertain significance for Catecholaminergic polymorphic ventricular tachycardia 1. Last evaluated: 2022-12-30. Review status: criteria provided, single submitter. Criteria: Invitae Variant Classification Sherloc (09022015). Collection method: clinical testing. Allele origin: germline.
Comment: In summary, the available evidence is currently insufficient to determine the role of this variant in disease. Therefore, it has been classified as a Variant of Uncertain Significance. Advanced modeling of protein sequence and biophysical properties (such as structural, functional, and spatial information, amino acid conservation, physicochemical variation, residue mobility, and thermodynamic stability) performed at Invitae indicates that this missense variant is expected to disrupt RYR2 protein function. This variant has not been reported in the literature in individuals affected with RYR2-related conditions. This variant is not present in population databases (gnomAD no frequency). This sequence change replaces valine, which is neutral and non-polar, with isoleucine, which is neutral and non-polar, at codon 3991 of the RYR2 protein (p.Val3991Ile).